The following is an entry in ClinVar:

NM_198253.3(TERT):c.2851C>A (p.Arg951=)

Gene: TERT (telomerase reverse transcriptase; minus strand). Cytogenetic location: 5p15.33.
Variant type: single nucleotide variant.
Coding change: c.2851C>A on transcript NM_198253.3 (MANE Select); coding-DNA position 2851, C replaced by A.
Protein change: p.Arg951=; no amino-acid change (arginine 951 retained).
Molecular consequence: synonymous variant. On other transcripts: non-coding transcript variant (2).
Genome position (GRCh38, 1-based): chr5:1,260,593, G>T on the plus strand (C>A on the coding strand, the complement: TERT is on the minus strand). VCF-style: chr5-1260593-G-T. GRCh37 (hg19) VCF-style: chr5-1260708-G-T.
Other names: c.2662C>A, p.Arg888= (NM_001193376.3); c.2851C>A (NM_198253.2).
Identifiers: ClinVar variation 1141177 (VCV001141177.12), dbSNP rs370445231, ClinGen allele CA3184354.
Genomic context (GRCh38, chr5:1,260,593, plus strand): 5'-GCATGTTCCTCCCAGCCTTGAAGCCGCGGTTGAAGGTGAGACTGGCTCTGATGGAGGTCC[G>T]GGCATAGCTGAGACACAGGGGGGAATGTCAGACACAGGTGCCTGCCCCACACCCAGCCCC-3'
Protein context (NP_937983.2, residues 941-961): EVQSDYSSYA[Arg951=]TSIRASLTFN

ClinVar aggregate classification (germline): Conflicting classifications of pathogenicity. Review status: criteria provided, conflicting classifications (1 of 4 stars). 3 submissions from 3 submitters: Uncertain significance (1); Likely benign (1). 1 of the submissions does not count toward it. Last evaluated 2025-11-03.

Conditions:
TERT-related disorder. Also called: TERT-related disorders; TERT-related condition.
Dyskeratosis congenita, autosomal dominant 2. Identifiers: MedGen C3151443, MONDO:0013521, OMIM 613989.
Idiopathic Pulmonary Fibrosis. Also called: Idiopathic fibrosing alveolitis, chronic form; idiopathic fibrosing alveolitis. Identifiers: Orphanet 2032, MedGen C1800706, MeSH D054990, MONDO:0800504.
Dyskeratosis congenita. Identifiers: Orphanet 1775, MedGen C0265965, MONDO:0015780.

Allele frequency attached by ClinVar (database versions not stated): ESP Exome Variant Server 0.00008.
gnomAD v4.1: 9 of 1,613,914 alleles (0.00056%); highest among the groups gnomAD compares: Non-Finnish European, 0.00076%; no homozygotes.

Submissions (3):

Ambry Genetics
Classification: Uncertain significance for Dyskeratosis congenita. Last evaluated: 2025-11-03. Review status: criteria provided, single submitter. Criteria: Ambry Variant Classification Scheme 2023. Collection method: clinical testing. Allele origin: germline.
Comment: The c.2851C>A variant (also known as p.R951R), located in coding exon 12 of the TERT gene, results from a C to A substitution at nucleotide position 2851. This nucleotide substitution does not change the arginine at codon 951. This nucleotide position is not well conserved in available vertebrate species. In silico splice site analysis for this alteration is inconclusive. Based on the available evidence, the clinical significance of this variant remains unclear.

Labcorp Genetics (formerly Invitae), Labcorp
Classification: Likely benign for Dyskeratosis congenita, autosomal dominant 2; Idiopathic Pulmonary Fibrosis. Last evaluated: 2023-11-17. Review status: criteria provided, single submitter. Criteria: Invitae Variant Classification Sherloc (09022015). Collection method: clinical testing. Allele origin: germline.

PreventionGenetics, part of Exact Sciences
Classification: Likely benign for TERT-related condition. Last evaluated: 2022-08-17. Review status: no assertion criteria provided. Collection method: clinical testing. Allele origin: germline. Not counted in ClinVar's aggregate classification.
Comment: This variant is classified as likely benign based on ACMG/AMP sequence variant interpretation guidelines (Richards et al. 2015 PMID: 25741868, with internal and published modifications).